The following is an entry in ClinVar:

NM_178857.6(RP1L1):c.434G>A (p.Arg145Gln)

Gene: RP1L1 (RP1 like 1). Cytogenetic location: 8p23.1.
Variant type: single nucleotide variant.
Coding change: c.434G>A on transcript NM_178857.6 (MANE Select); coding-DNA position 434, G replaced by A.
Protein change: p.Arg145Gln; replaces arginine 145 with glutamine.
Molecular consequence: missense variant.
Genome position (GRCh38, 1-based): chr8:10,622,768, C>T on the plus strand (G>A on the coding strand, the complement: RP1L1 is on the minus strand). VCF-style: chr8-10622768-C-T. GRCh37 (hg19) VCF-style: chr8-10480278-C-T.
Other names: c.434G>A (NM_178857.5); short protein forms R145Q.
Identifiers: ClinVar variation 1049116 (VCV001049116.12), dbSNP rs373569904, ClinGen allele CA4625701.

ClinVar aggregate classification (germline): Benign/Likely benign. Review status: criteria provided, multiple submitters, no conflicts (2 of 4 stars). 5 submissions from 5 submitters: Benign (3); Likely benign (1). 1 of the submissions does not count toward it. Last evaluated 2025-11-25.

Conditions:
RP1L1-related disorder. Also called: RP1L1-related condition.

Allele frequency attached by ClinVar (database versions not stated): gnomAD 0.00002 and 0.00009; ESP Exome Variant Server 0.00008.

Submissions (5):

Labcorp Genetics (formerly Invitae), Labcorp
Classification: Benign. Last evaluated: 2025-11-25. Review status: criteria provided, single submitter. Criteria: Invitae Variant Classification Sherloc (09022015). Collection method: clinical testing. Allele origin: germline.

PreventionGenetics, part of Exact Sciences
Classification: Likely benign for RP1L1-related condition. Last evaluated: 2024-10-16. Review status: criteria provided, single submitter. Criteria: ACMG Guidelines, 2015. Collection method: clinical testing. Allele origin: germline.
Comment: This variant is classified as likely benign based on ACMG/AMP sequence variant interpretation guidelines (Richards et al. 2015 PMID: 25741868, with internal and published modifications).

Blueprint Genetics
Classification: Benign. Last evaluated: 2024-03-08. Review status: criteria provided, single submitter. Criteria: ACMG Guidelines, 2015. Collection method: clinical testing. Allele origin: germline.

Breakthrough Genomics
Classification: Benign. Review status: criteria provided, single submitter. Criteria: ACMG Guidelines, 2015. Collection method: not provided. Allele origin: germline. Inheritance: Autosomal recessive inheritance. Affected: yes.

Department of Pathology and Laboratory Medicine, Sinai Health System
Classification: Uncertain significance. Review status: no assertion criteria provided. Collection method: clinical testing. Allele origin: unknown. Affected: yes. Study: The Canadian Open Genetics Repository (COGR). Not counted in ClinVar's aggregate classification.
Comment: The RP1L1 p.Arg145Gln variant was identified in 1 of 570 proband chromosomes (frequency: 0.0018) from individuals with retinitis pigmentosa and was not identified in 56 chromosomes from individuals with occult macular dystrophy (Davidson_2013_PMID:23281133). The variant was identified in dbSNP (ID: rs373569904) but was not identified in ClinVar. The variant was identified in control databases in 73 of 279208 chromosomes at a frequency of 0.0002615 (Genome Aggregation Database March 6, 2019, v2.1.1). The variant was observed in the following populations: South Asian in 61 of 30602 chromosomes (freq: 0.001993), Other in 3 of 7120 chromosomes (freq: 0.000421), Latino in 2 of 35356 chromosomes (freq: 0.000057) and European (non-Finnish) in 7 of 127598 chromosomes (freq: 0.000055), but was not observed in the African, Ashkenazi Jewish, East Asian, or European (Finnish) populations. The p.Arg145 residue is not conserved in mammals and four out of five computational analyses (PolyPhen-2, SIFT, AlignGVGD, BLOSUM, MutationTaster) do not suggest a high likelihood of impact to the protein; however, this information is not predictive enough to rule out pathogenicity. The variant occurs outside of the splicing consensus sequence however three of four in silico or computational prediction software programs (SpliceSiteFinder, MaxEntScan, NNSPLICE, GeneSplicer) predict a greater than 10% difference in splicing and the creation of a new 3' splice site. However, this has not been confirmed by RNA analysis and is not predictive enough to assume pathogenicity. In summary, based on the above information the clinical significance of this variant cannot be determined with certainty at this time. This variant is classified as a variant of uncertain significance.